The following is an entry in ClinVar:

NM_000535.7(PMS2):c.1109T>C (p.Leu370Pro)

Gene: PMS2 (PMS1 homolog 2, mismatch repair system component; minus strand). Cytogenetic location: 7p22.1.
Variant type: single nucleotide variant.
Coding change: c.1109T>C on transcript NM_000535.7 (MANE Select); coding-DNA position 1109, T replaced by C.
Protein change: p.Leu370Pro; replaces leucine 370 with proline.
Molecular consequence: missense variant. On other transcripts: non-coding transcript variant (1), intron variant (2).
Genome position (GRCh38, 1-based): chr7:5,989,835, A>G on the plus strand (T>C on the coding strand, the complement: PMS2 is on the minus strand). VCF-style: chr7-5989835-A-G. GRCh37 (hg19) VCF-style: chr7-6029466-A-G.
Other names: c.704T>C, p.Leu235Pro (NM_001322003.2, NM_001322004.2, NM_001322005.2 and 1 more transcripts); c.791T>C, p.Leu264Pro (NM_001322007.2, NM_001322008.2); c.176T>C, p.Leu59Pro (NM_001322011.2, NM_001322012.2); c.536T>C, p.Leu179Pro (NM_001322013.2); c.1109T>C, p.Leu370Pro (NM_001322014.2); c.800T>C, p.Leu267Pro (NM_001322015.2); c.583+2138T>C (NM_001322010.2); c.988+2138T>C (NM_001322006.2); short protein forms L235P, L179P, L264P, L59P, L267P, L370P.
Identifiers: ClinVar variation 822194 (VCV000822194.8), dbSNP rs1338014748, ClinGen allele CA366742787.

ClinVar aggregate classification (germline): Uncertain significance. Review status: criteria provided, multiple submitters, no conflicts (2 of 4 stars). 2 submissions from 2 submitters: Uncertain significance (2). Last evaluated 2023-03-24.

Conditions:
Hereditary nonpolyposis colorectal neoplasms. Identifiers: MedGen C0009405, MeSH D003123.
Hereditary cancer-predisposing syndrome. Also called: Tumor predisposition; Hereditary Cancer Syndrome; Neoplastic Syndromes, Hereditary; Hereditary neoplastic syndrome. Identifiers: Orphanet 140162, MedGen C0027672, MeSH D009386, MONDO:0015356.

Submissions (2):

Ambry Genetics
Classification: Uncertain significance for Hereditary cancer-predisposing syndrome. Last evaluated: 2023-03-24. Review status: criteria provided, single submitter. Criteria: Ambry Variant Classification Scheme 2023. Collection method: clinical testing. Allele origin: germline.
Comment: The p.L370P variant (also known as c.1109T>C), located in coding exon 10 of the PMS2 gene, results from a T to C substitution at nucleotide position 1109. The leucine at codon 370 is replaced by proline, an amino acid with similar properties. This amino acid position is well conserved in available vertebrate species. In addition, this alteration is predicted to be deleterious by in silico analysis. Since supporting evidence is limited at this time, the clinical significance of this alteration remains unclear.

Labcorp Genetics (formerly Invitae), Labcorp
Classification: Uncertain significance for Hereditary nonpolyposis colorectal neoplasms. Last evaluated: 2022-12-08. Review status: criteria provided, single submitter. Criteria: Invitae Variant Classification Sherloc (09022015). Collection method: clinical testing. Allele origin: germline.
Comment: In summary, the available evidence is currently insufficient to determine the role of this variant in disease. Therefore, it has been classified as a Variant of Uncertain Significance. Advanced modeling of protein sequence and biophysical properties (such as structural, functional, and spatial information, amino acid conservation, physicochemical variation, residue mobility, and thermodynamic stability) performed at Invitae indicates that this missense variant is expected to disrupt PMS2 protein function. This sequence change replaces leucine, which is neutral and non-polar, with proline, which is neutral and non-polar, at codon 370 of the PMS2 protein (p.Leu370Pro). This variant is not present in population databases (gnomAD no frequency). This variant has not been reported in the literature in individuals affected with PMS2-related conditions. ClinVar contains an entry for this variant (Variation ID: 822194).